The following is an entry in ClinVar:

ClinVar aggregate classification (germline): Benign (1 of 4 stars; one submission).

Allele frequency attached by ClinVar (database versions not stated): TOPMed 0.49830; 1000 Genomes Project 0.50140; gnomAD 0.49818; 1000 Genomes Project 30x 0.50406.
gnomAD v4.1: 74,615 of 151,930 alleles (49%); highest among the groups gnomAD compares: African/African-American, 71%; 19,881 homozygotes.

Submission:

GeneDx
Classification: Benign. Last evaluated: 2018-06-18. Review status: criteria provided, single submitter. Criteria: GeneDx Variant Classification (06012015). Collection method: clinical testing. Allele origin: germline. Affected: yes.
Comment: This variant is considered likely benign or benign based on one or more of the following criteria: it is a conservative change, it occurs at a poorly conserved position in the protein, it is predicted to be benign by multiple in silico algorithms, and/or has population frequency not consistent with disease.

NM_001035.3(RYR2):c.169-324C>A

Gene: RYR2 (ryanodine receptor 2; plus strand). Cytogenetic location: 1q43.
Variant type: single nucleotide variant.
Coding change: c.169-324C>A on transcript NM_001035.3 (MANE Select); 324 bases into the intron before coding-DNA position 169, C replaced by A.
Molecular consequence: intron variant.
Genome position (GRCh38, 1-based): chr1:237,330,554, C>A. VCF-style: chr1-237330554-C-A. GRCh37 (hg19) VCF-style: chr1-237493854-C-A.
Identifiers: ClinVar variation 683751 (VCV000683751.1), dbSNP rs2808225, ClinGen allele CA10707395.